The following is an entry in ClinVar:

NM_001852.4(COL9A2):c.541G>T (p.Gly181Ter)

Gene: COL9A2 (collagen type IX alpha 2 chain; minus strand). Cytogenetic location: 1p34.2.
Variant type: single nucleotide variant.
Coding change: c.541G>T on transcript NM_001852.4 (MANE Select); coding-DNA position 541, G replaced by T.
Protein change: p.Gly181Ter; replaces glycine 181 with a stop codon.
Molecular consequence: nonsense.
Genome position (GRCh38, 1-based): chr1:40,311,265, C>A on the plus strand (G>T on the coding strand, the complement: COL9A2 is on the minus strand). VCF-style: chr1-40311265-C-A. GRCh37 (hg19) VCF-style: chr1-40776937-C-A.
Other names: short protein forms G181*.
Identifiers: ClinVar variation 2856971 (VCV002856971.3), dbSNP rs761837402, ClinGen allele CA339855950.

ClinVar aggregate classification (germline): Pathogenic (1 of 4 stars; one submission).

Submission:

Labcorp Genetics (formerly Invitae), Labcorp
Classification: Pathogenic. Last evaluated: 2024-11-05. Review status: criteria provided, single submitter. Criteria: Invitae Variant Classification Sherloc (09022015). Collection method: clinical testing. Allele origin: germline.
Comment: This sequence change creates a premature translational stop signal (p.Gly181*) in the COL9A2 gene. It is expected to result in an absent or disrupted protein product. Loss-of-function variants in COL9A2 are known to be pathogenic (PMID: 21671392, 33356723). This variant is not present in population databases (gnomAD no frequency). This variant has not been reported in the literature in individuals affected with COL9A2-related conditions. ClinVar contains an entry for this variant (Variation ID: 2856971). For these reasons, this variant has been classified as Pathogenic.

Literature cited by the submitters: PubMed 21671392; PubMed 33356723.